The following is an entry in ClinVar:

ClinVar aggregate classification (germline): Likely benign. Review status: criteria provided, single submitter (1 of 4 stars). 3 submissions from 3 submitters: Likely benign (1). 2 of the submissions do not count toward it. Last evaluated 2025-12-17.

Conditions:
Epidermolysis bullosa dystrophica inversa, autosomal recessive. Identifiers: MedGen C2673612.
COL7A1-related disorder. Also called: COL7A1-related condition; COL7A1- related disorders.

Allele frequency attached by ClinVar (database versions not stated): gnomAD exomes 0.00002 and 0.00006; ExAC 0.00007; 1000 Genomes Project 30x 0.00016; 1000 Genomes Project 0.00020; gnomAD 0.00024; TOPMed 0.00036; ESP Exome Variant Server 0.00038.
gnomAD v4.1: 69 of 1,613,922 alleles (0.0043%); highest among the groups gnomAD compares: African/African-American, 0.068%; no homozygotes.

Submissions (3):

Labcorp Genetics (formerly Invitae), Labcorp
Classification: Likely benign. Last evaluated: 2025-12-17. Review status: criteria provided, single submitter. Criteria: Invitae Variant Classification Sherloc (09022015). Collection method: clinical testing. Allele origin: germline.

PreventionGenetics, part of Exact Sciences
Classification: Likely benign for COL7A1-related condition. Last evaluated: 2024-06-26. Review status: no assertion criteria provided. Collection method: clinical testing. Allele origin: germline. Not counted in ClinVar's aggregate classification.
Comment: This variant is classified as likely benign based on ACMG/AMP sequence variant interpretation guidelines (Richards et al. 2015 PMID: 25741868, with internal and published modifications).

Natera, Inc.
Classification: Likely benign for Autosomal recessive epidermolysis bullosa dystrophica inversa. Last evaluated: 2020-10-22. Review status: no assertion criteria provided. Collection method: clinical testing. Allele origin: germline. Not counted in ClinVar's aggregate classification.

NM_000094.4(COL7A1):c.1857A>G (p.Gly619=)

Gene: COL7A1 (collagen type VII alpha 1 chain; minus strand). Cytogenetic location: 3p21.31.
Variant type: single nucleotide variant.
Coding change: c.1857A>G on transcript NM_000094.4 (MANE Select); coding-DNA position 1857, A replaced by G.
Protein change: p.Gly619=; no amino-acid change (glycine 619 retained).
Molecular consequence: synonymous variant.
Genome position (GRCh38, 1-based): chr3:48,590,508, T>C on the plus strand (A>G on the coding strand, the complement: COL7A1 is on the minus strand). VCF-style: chr3-48590508-T-C. GRCh37 (hg19) VCF-style: chr3-48627941-T-C.
Other names: c.1857A>G (NM_000094.3).
Identifiers: ClinVar variation 990867 (VCV000990867.10), dbSNP rs145812249, ClinGen allele CA2381091.
Genomic context (GRCh38, chr3:48,590,508, plus strand): 5'-CCCACACTGACCACTGCCTGTGCTCCAGCTAATCCGAAATCCACTGGCTCCAGGGACGGG[T>C]CCCCAGGCCACCCTCACTCGCGTTGCATCTGACACCACAACCCGCAGCCCTGGAACAGCA-3'
Protein context (NP_000085.1, residues 609-629): SDATRVRVAW[Gly619=]PVPGASGFRI